The following is an entry in ClinVar:

NM_005002.5(NDUFA9):c.727G>A (p.Val243Ile)

Gene: NDUFA9 (NADH:ubiquinone oxidoreductase subunit A9; plus strand). Cytogenetic location: 12p13.32.
Variant type: single nucleotide variant.
Coding change: c.727G>A on transcript NM_005002.5 (MANE Select); coding-DNA position 727, G replaced by A.
Protein change: p.Val243Ile; replaces valine 243 with isoleucine.
Molecular consequence: missense variant.
Genome position (GRCh38, 1-based): chr12:4,669,744, G>A. VCF-style: chr12-4669744-G-A. GRCh37 (hg19) VCF-style: chr12-4778910-G-A.
Other names: NDUFA9, VAL243ILE (538700956); short protein forms V243I.
Identifiers: ClinVar variation 423575 (VCV000423575.11), dbSNP rs538700956, ClinGen allele CA6398219.

ClinVar aggregate classification (germline): Uncertain significance. Review status: criteria provided, multiple submitters, no conflicts (2 of 4 stars). 3 submissions from 3 submitters: Uncertain significance (2). 1 of the submissions does not count toward it. Last evaluated 2022-08-09.

Conditions:
Mitochondrial complex I deficiency, nuclear type 26. Also called: Mitochondrial complex 1 deficiency, nuclear type 26. Identifiers: MedGen C4748809, MONDO:0032630, OMIM 618247.

Allele frequency attached by ClinVar (database versions not stated): ExAC 0.00002; gnomAD 0.00002; TOPMed 0.00004; 1000 Genomes Project 30x 0.00016; 1000 Genomes Project 0.00020; gnomAD exomes 0.00003.
gnomAD v4.1: 46 of 1,595,306 alleles (0.0029%); highest among the groups gnomAD compares: Admixed American, 0.0067%; no homozygotes.

Submissions (3):

Labcorp Genetics (formerly Invitae), Labcorp
Classification: Uncertain significance. Last evaluated: 2022-08-09. Review status: criteria provided, single submitter. Criteria: Invitae Variant Classification Sherloc (09022015). Collection method: clinical testing. Allele origin: germline.
Comment: ClinVar contains an entry for this variant (Variation ID: 423575). In summary, the available evidence is currently insufficient to determine the role of this variant in disease. Therefore, it has been classified as a Variant of Uncertain Significance. Algorithms developed to predict the effect of missense changes on protein structure and function are either unavailable or do not agree on the potential impact of this missense change (SIFT: "Deleterious"; PolyPhen-2: "Possibly Damaging"; Align-GVGD: "Class C0"). This variant has not been reported in the literature in individuals affected with NDUFA9-related conditions. This variant is present in population databases (rs538700956, gnomAD 0.009%). This sequence change replaces valine, which is neutral and non-polar, with isoleucine, which is neutral and non-polar, at codon 243 of the NDUFA9 protein (p.Val243Ile).

GeneDx
Classification: Uncertain significance. Last evaluated: 2017-02-14. Review status: criteria provided, single submitter. Criteria: GeneDx Variant Classification (06012015). Collection method: clinical testing. Allele origin: germline. Affected: yes.
Comment: The V243I variant has not been published as a pathogenic variant in association with a primary mitochondrial disorder, nor has it been reported as a benign variant to our knowledge. The V243I variant is not observed at a significant frequency in large population cohorts (Lek et al., 2016; 1000 Genomes Consortium et al., 2015; Exome Variant Server). The V243I variant is a conservative amino acid substitution, which is not likely to impact secondary protein structure as these residues share similar properties. This substitution occurs at a position that is not conserved. In silico analysis is inconsistent in its predictions as to whether or not the variant is damaging to the protein structure/function. In summary, based on the currently available information, it is unclear whether this variant is a pathogenic variant or a rare benign variant.

OMIM
Classification: Pathogenic for MITOCHONDRIAL COMPLEX I DEFICIENCY, NUCLEAR TYPE 26. Last evaluated: 2026-02-04. Review status: no assertion criteria provided. Collection method: literature only. Allele origin: germline. Not counted in ClinVar's aggregate classification.

Literature cited by the submitters: PubMed 37970307 (cited by OMIM); PubMed 41069424 (cited by OMIM).